The following is an entry in ClinVar:

ClinVar aggregate classification (germline): Uncertain significance. Review status: criteria provided, multiple submitters, no conflicts (2 of 4 stars). 2 submissions from 2 submitters: Uncertain significance (2). Last evaluated 2022-10-27.

Conditions:
Early Myoclonic Encephalopathy. Identifiers: MedGen C0270855.

Allele frequency attached by ClinVar (database versions not stated): gnomAD exomes 0.00001.
gnomAD v4.1: 21 of 1,613,868 alleles (0.0013%); highest among the groups gnomAD compares: Non-Finnish European, 0.0017%; no homozygotes.

Submissions (2):

Labcorp Genetics (formerly Invitae), Labcorp
Classification: Uncertain significance for Early Myoclonic Encephalopathy. Last evaluated: 2022-10-27. Review status: criteria provided, single submitter. Criteria: Invitae Variant Classification Sherloc (09022015). Collection method: clinical testing. Allele origin: germline.
Comment: This sequence change replaces histidine, which is basic and polar, with proline, which is neutral and non-polar, at codon 792 of the JMJD1C protein (p.His792Pro). This variant is not present in population databases (gnomAD no frequency). This variant has not been reported in the literature in individuals affected with JMJD1C-related conditions. Advanced modeling of protein sequence and biophysical properties (such as structural, functional, and spatial information, amino acid conservation, physicochemical variation, residue mobility, and thermodynamic stability) performed at Invitae indicates that this missense variant is not expected to disrupt JMJD1C protein function. In summary, the available evidence is currently insufficient to determine the role of this variant in disease. Therefore, it has been classified as a Variant of Uncertain Significance.

Ambry Genetics
Classification: Uncertain significance. Last evaluated: 2021-08-12. Review status: criteria provided, single submitter. Criteria: Ambry Variant Classification Scheme 2023. Collection method: clinical testing. Allele origin: germline.

NM_032776.3(JMJD1C):c.2375A>C (p.His792Pro)

Gene: JMJD1C (jumonji domain containing 1C; minus strand). Cytogenetic location: 10q21.3.
Variant type: single nucleotide variant.
Coding change: c.2375A>C on transcript NM_032776.3 (MANE Select); coding-DNA position 2375, A replaced by C.
Protein change: p.His792Pro; replaces histidine 792 with proline.
Molecular consequence: missense variant. On other transcripts: non-coding transcript variant (1).
Genome position (GRCh38, 1-based): chr10:63,213,792, T>G on the plus strand (A>C on the coding strand, the complement: JMJD1C is on the minus strand). VCF-style: chr10-63213792-T-G. GRCh37 (hg19) VCF-style: chr10-64973552-T-G.
Other names: c.1829A>C, p.His610Pro (NM_001282948.2, NM_001318154.2); c.1511A>C, p.His504Pro (NM_001318153.2); c.2261A>C, p.His754Pro (NM_001322252.2); c.1718A>C, p.His573Pro (NM_001322254.2, NM_001322258.2); short protein forms H754P, H792P, H573P, H504P, H610P.
Identifiers: ClinVar variation 2243215 (VCV002243215.5), dbSNP rs866120279, ClinGen allele CA208375356.